The following is an entry in ClinVar:

NM_001035.3(RYR2):c.13657A>G (p.Arg4553Gly)

Gene: RYR2 (ryanodine receptor 2; plus strand). Cytogenetic location: 1q43.
Variant type: single nucleotide variant.
Coding change: c.13657A>G on transcript NM_001035.3 (MANE Select); coding-DNA position 13657, A replaced by G.
Protein change: p.Arg4553Gly; replaces arginine 4553 with glycine.
Molecular consequence: missense variant.
Genome position (GRCh38, 1-based): chr1:237,792,198, A>G. VCF-style: chr1-237792198-A-G. GRCh37 (hg19) VCF-style: chr1-237955498-A-G.
Other names: c.13657A>G (NM_001035.2); short protein forms R4553G.
Identifiers: ClinVar variation 3015767 (VCV003015767.4), dbSNP rs1254878313, ClinGen allele CA345417453.

ClinVar aggregate classification (germline): Uncertain significance. Review status: criteria provided, multiple submitters, no conflicts (2 of 4 stars). 2 submissions from 2 submitters: Uncertain significance (2). Last evaluated 2025-11-03.

Conditions:
RYR2-related disorder. Also called: RYR2-related condition.
Catecholaminergic polymorphic ventricular tachycardia 1. Also called: VENTRICULAR TACHYCARDIA, STRESS-INDUCED POLYMORPHIC 1; VENTRICULAR TACHYCARDIA, CATECHOLAMINERGIC POLYMORPHIC, 1, WITH OR WITHOUT ATRIAL DYSFUNCTION AND/OR DILATED CARDIOMYOPATHY; RYR2-Related Catecholaminergic Polymorphic Ventricular Tachycardia. Identifiers: Orphanet 3286, MedGen C1631597, MONDO:0011484, OMIM 604772.

Allele frequency attached by ClinVar (database versions not stated): gnomAD exomes below 0.00001; TOPMed below 0.00001; gnomAD 0.00001.
gnomAD v4.1: 3 of 1,613,650 alleles (0.00019%); highest among the groups gnomAD compares: South Asian, 0.0011%; no homozygotes.

Submissions (2):

PreventionGenetics, part of Exact Sciences
Classification: Uncertain significance for RYR2-related condition. Last evaluated: 2025-11-03. Review status: criteria provided, single submitter. Criteria: ACMG Guidelines, 2015. Collection method: clinical testing. Allele origin: germline.
Comment: The RYR2 c.13657A>G variant is predicted to result in the amino acid substitution p.Arg4553Gly. To our knowledge, this variant has not been reported in the literature or in a large population database (gnomAD), indicating this variant is rare. At this time, the clinical significance of this variant is uncertain due to the absence of conclusive functional and genetic evidence.

Labcorp Genetics (formerly Invitae), Labcorp
Classification: Uncertain significance for Catecholaminergic polymorphic ventricular tachycardia 1. Last evaluated: 2025-07-16. Review status: criteria provided, single submitter. Criteria: Invitae Variant Classification Sherloc (09022015). Collection method: clinical testing. Allele origin: germline.
Comment: This sequence change replaces arginine, which is basic and polar, with glycine, which is neutral and non-polar, at codon 4553 of the RYR2 protein (p.Arg4553Gly). This variant is not present in population databases (gnomAD no frequency). This variant has not been reported in the literature in individuals affected with RYR2-related conditions. ClinVar contains an entry for this variant (Variation ID: 3015767). Invitae Evidence Modeling of protein sequence and biophysical properties (such as structural, functional, and spatial information, amino acid conservation, physicochemical variation, residue mobility, and thermodynamic stability) indicates that this missense variant is not expected to disrupt RYR2 protein function with a negative predictive value of 95%. In summary, the available evidence is currently insufficient to determine the role of this variant in disease. Therefore, it has been classified as a Variant of Uncertain Significance.